The following is an entry in ClinVar:

NM_000069.3(CACNA1S):c.1890G>A (p.Pro630=)

Gene: CACNA1S (calcium voltage-gated channel subunit alpha1 S; minus strand). Cytogenetic location: 1q32.1.
Variant type: single nucleotide variant.
Coding change: c.1890G>A on transcript NM_000069.3 (MANE Select); coding-DNA position 1890, G replaced by A.
Protein change: p.Pro630=; no amino-acid change (proline 630 retained).
Molecular consequence: synonymous variant.
Genome position (GRCh38, 1-based): chr1:201,075,553, C>T on the plus strand (G>A on the coding strand, the complement: CACNA1S is on the minus strand). VCF-style: chr1-201075553-C-T. GRCh37 (hg19) VCF-style: chr1-201044681-C-T.
Identifiers: ClinVar variation 473969 (VCV000473969.53), dbSNP rs141717649, ClinGen allele CA078652.
Genomic context (GRCh38, chr1:201,075,553, plus strand): 5'-ACAGTTGCCACAGACGAAAAGGATGATGAAGTAAATGCACACAAGCATGCCAGGGTAGGA[C>T]GGCCCGCCGTAGGCCATGATCCCATTGTACATCATTGAGGTCCAGTCTTCCCCTGTCAGT-3'
Protein context (NP_000060.2, residues 620-640): MYNGIMAYGG[Pro630=]SYPGMLVCIY

ClinVar aggregate classification (germline): Benign/Likely benign. Review status: criteria provided, multiple submitters, no conflicts (2 of 4 stars). 12 submissions from 9 submitters: Benign (1); Likely benign (11). Last evaluated 2026-02-01.

Conditions:
Hypokalemic periodic paralysis, type 1. Also called: HypoPP; Hypokalemic Periodic Paralysis Type 1 (AD). Identifiers: Orphanet 681, MedGen C3714580, MONDO:0042979, OMIM 170400.
Malignant hyperthermia, susceptibility to, 5 (MHS5). Also called: CACNA1S-Related Malignant Hyperthermia Susceptibility. Identifiers: Orphanet 423, MedGen C1866077, MONDO:0011163, OMIM 601887.
Thyrotoxic periodic paralysis, susceptibility to, 1 (TTPP1). Identifiers: Orphanet 79102, MedGen C2749982, MONDO:0008570, OMIM 188580.
Congenital myopathy 18. Also called: Myopathy, congenital, due to dihydropyridine receptor defect; DIHYDROPYRIDINE RECEPTOR CONGENITAL MYOPATHY; DHPR CONGENITAL MYOPATHY. Identifiers: MedGen C5830283, MONDO:0859514, OMIM 620246.

Allele frequency attached by ClinVar (database versions not stated): ExAC 0.00019; gnomAD 0.00022 and 0.00023; gnomAD exomes 0.00022 and 0.00055; TOPMed 0.00027; ESP Exome Variant Server 0.00038.
gnomAD v4.1: 833 of 1,613,784 alleles (0.052%); highest among the groups gnomAD compares: Non-Finnish European, 0.067%; 1 homozygote.

Submissions (12):

CeGaT Center for Human Genetics Tuebingen
Classification: Likely benign. Last evaluated: 2026-02-01. Review status: criteria provided, single submitter. Criteria: CeGaT Center For Human Genetics Tuebingen Variant Classification Criteria Version 2. Collection method: clinical testing. Allele origin: germline. Affected: yes. Observed: 2 variant alleles.
Comment: CACNA1S: BP4, BP7

Labcorp Genetics (formerly Invitae), Labcorp
Classification: Likely benign for Hypokalemic periodic paralysis, type 1; Malignant hyperthermia, susceptibility to, 5. Last evaluated: 2026-01-29. Review status: criteria provided, single submitter. Criteria: Invitae Variant Classification Sherloc (09022015). Collection method: clinical testing. Allele origin: germline.

Blueprint Genetics
Classification: Likely benign. Last evaluated: 2024-10-15. Review status: criteria provided, single submitter. Criteria: ACMG Guidelines, 2015. Collection method: clinical testing. Allele origin: germline.

Genome-Nilou Lab
Classification: Likely benign for Malignant hyperthermia, susceptibility to, 5. Last evaluated: 2023-04-11. Review status: criteria provided, single submitter. Criteria: ACMG Guidelines, 2015. Collection method: clinical testing. Allele origin: germline. Affected: no.

Genome-Nilou Lab
Classification: Likely benign for Thyrotoxic periodic paralysis, susceptibility to, 1. Last evaluated: 2023-04-11. Review status: criteria provided, single submitter. Criteria: ACMG Guidelines, 2015. Collection method: clinical testing. Allele origin: germline. Affected: no.

Genome-Nilou Lab
Classification: Likely benign for Congenital myopathy 18. Last evaluated: 2023-04-11. Review status: criteria provided, single submitter. Criteria: ACMG Guidelines, 2015. Collection method: clinical testing. Allele origin: germline. Affected: no.

Genome-Nilou Lab
Classification: Likely benign for Hypokalemic periodic paralysis, type 1. Last evaluated: 2023-04-11. Review status: criteria provided, single submitter. Criteria: ACMG Guidelines, 2015. Collection method: clinical testing. Allele origin: germline. Affected: no.

Color Diagnostics, LLC DBA Color Health
Classification: Likely benign for Malignant hyperthermia, susceptibility to, 5. Last evaluated: 2022-11-17. Review status: criteria provided, single submitter. Criteria: ACMG Guidelines, 2015. Collection method: clinical testing. Allele origin: germline.

Fulgent Genetics
Classification: Likely benign for Hypokalemic periodic paralysis, type 1; Thyrotoxic periodic paralysis, susceptibility to, 1; Malignant hyperthermia, susceptibility to, 5. Last evaluated: 2021-08-18. Review status: criteria provided, single submitter. Criteria: ACMG Guidelines, 2015. Collection method: clinical testing. Allele origin: unknown.

Athena Diagnostics
Classification: Benign. Last evaluated: 2020-10-19. Review status: criteria provided, single submitter. Criteria: Athena Diagnostics criteria. Collection method: clinical testing. Allele origin: unknown.

GeneDx
Classification: Likely benign. Last evaluated: 2020-09-16. Review status: criteria provided, single submitter. Criteria: GeneDx Variant Classification Process June 2021. Collection method: clinical testing. Allele origin: germline. Affected: yes.

Illumina Laboratory Services, Illumina
Classification: Likely benign for Hypokalemic periodic paralysis, type 1. Last evaluated: 2018-01-12. Review status: criteria provided, single submitter. Criteria: ICSL Variant Classification Criteria 13 December 2019. Collection method: clinical testing. Allele origin: germline.
Comment: This variant was observed in the ICSL laboratory as part of a predisposition screen in an ostensibly healthy population. It had not been previously curated by ICSL or reported in the Human Gene Mutation Database (HGMD: prior to June 1st, 2018), and was therefore a candidate for classification through an automated scoring system. Utilizing variant allele frequency, disease prevalence and penetrance estimates, and inheritance mode, an automated score was calculated to assess if this variant is too frequent to cause the disease. Based on the score and internal cut-off values, a variant classified as likely benign is not then subjected to further curation. The score for this variant resulted in a classification of likely benign for this disease.